The following is an entry in ClinVar:

NM_002474.3(MYH11):c.52A>G (p.Lys18Glu)

Gene: MYH11 (myosin heavy chain 11; minus strand). Cytogenetic location: 16p13.11.
Variant type: single nucleotide variant.
Coding change: c.52A>G on transcript NM_002474.3 (MANE Select); coding-DNA position 52, A replaced by G.
Protein change: p.Lys18Glu; replaces lysine 18 with glutamic acid.
Molecular consequence: missense variant.
Genome position (GRCh38, 1-based): chr16:15,838,201, T>C on the plus strand (A>G on the coding strand, the complement: MYH11 is on the minus strand). VCF-style: chr16-15838201-T-C. GRCh37 (hg19) VCF-style: chr16-15932058-T-C.
Other names: c.52A>G, p.Lys18Glu (NM_001040113.2, NM_001040114.2, NM_022844.3); short protein forms K18E.
Identifiers: ClinVar variation 5025065 (VCV005025065.1).

ClinVar aggregate classification (germline): Uncertain significance (1 of 4 stars; one submission).

Conditions:
Familial thoracic aortic aneurysm and aortic dissection (TAAD). Also called: Thoracic aortic aneurysms and dissections. Identifiers: Orphanet 91387, MedGen C4707243, MONDO:0019625.

Submission:

Ambry Genetics
Classification: Uncertain significance for Familial thoracic aortic aneurysm and aortic dissection. Last evaluated: 2026-07-02. Review status: criteria provided, single submitter. Criteria: Ambry Variant Classification Scheme 2023. Collection method: clinical testing. Allele origin: germline.
Comment: The p.K18E variant (also known as c.52A>G), located in coding exon 1 of the MYH11 gene, results from an A to G substitution at nucleotide position 52. The lysine at codon 18 is replaced by glutamic acid, an amino acid with similar properties. This amino acid position is conserved. In addition, the in silico prediction for this alteration is inconclusive. Based on the available evidence, the clinical significance of this variant remains unclear.